The following is an entry in ClinVar:

ClinVar aggregate classification (germline): Likely pathogenic; drug response. Review status: reviewed by expert panel (3 of 4 stars). 19 submissions from 13 submitters: Likely pathogenic (1). 11 of the submissions do not count toward it. Last evaluated 2025-08-01.

Conditions:
Central core myopathy (CMYO1A). Also called: CONGENITAL MYOPATHY 1A, AUTOSOMAL DOMINANT, WITH SUSCEPTIBILITY TO MALIGNANT HYPERTHERMIA; Central core disease; Myopathy, central fibrillar. Identifiers: Orphanet 597, MedGen C5830701, MONDO:0007294, OMIM 117000.
Malignant hyperthermia, susceptibility to, 1 (MHS1). Also called: Malignant hyperthermia suceptibility 1; Anesthesia related hyperthermia; Malignant hyperpyrexia; Fulminating hyperpyrexia; Pharmacogenic myopathy; RYR1-Related Malignant Hyperthermia Susceptibility. Identifiers: Orphanet 423, MedGen C2930980, MONDO:0007783, OMIM 145600.
King Denborough syndrome (KDS). Identifiers: MedGen C1840365, MONDO:0020485, OMIM 619542.
Congenital multicore myopathy with external ophthalmoplegia (CMYO1B). Also called: MULTICORE MYOPATHY; MULTIMINICORE DISEASE WITH EXTERNAL OPHTHALMOPLEGIA; Congenital myopathy 1B, autosomal recessive; Minicore myopathy; Minicore myopathy with external ophthalmoplegia. Identifiers: Orphanet 598, Orphanet 98905, MedGen C1850674, MONDO:0009712, OMIM 255320, HP:0003789.
RYR1-related disorder. Also called: RYR1-related condition; RYR1-related disorders. Identifiers: MedGen CN239331.
Malignant hyperthermia of anesthesia. Also called: Anesthesic-triggered malignant hyperthermia. Identifiers: Orphanet 423, MedGen C0024591, MONDO:0018493, HP:0034733.
methoxyflurane response - Toxicity.
isoflurane response - Toxicity.
halothane response - Toxicity.
enflurane response - Toxicity.
desflurane response - Toxicity.
succinylcholine response - Toxicity.
sevoflurane response - Toxicity.

Allele frequency attached by ClinVar (database versions not stated): gnomAD exomes below 0.00001; TOPMed 0.00001.
gnomAD v4.1: 4 of 1,611,116 alleles (0.00025%); highest among the groups gnomAD compares: Admixed American, 0.0017%; no homozygotes.

Submissions 1 to 11 of 19:

ClinGen Malignant Hyperthermia Susceptibility Variant Curation Expert Panel, ClinGen
Classification: Likely pathogenic for Malignant hyperthermia, susceptibility to, 1. Last evaluated: 2025-08-01. Review status: reviewed by expert panel. Criteria: ClinGen MHS ACMG Specifications V2. Collection method: curation. Allele origin: germline. Inheritance: Autosomal dominant inheritance. Study: ClinGen.
Comment: This pathogenicity assessment is relevant only for malignant hyperthermia susceptibility (MHS) inherited in an autosomal dominant pattern. Variants in RYR1 can also cause other myopathies inherited in an autosomal dominant pattern or in an autosomal recessive pattern. Some of these disorders may predispose individuals to malignant hyperthermia. RYR1 variants may also contribute to a malignant hyperthermia reaction in combination with other genetic and non-genetic factors and the clinician needs to consider such factors in making management decisions. This sequence variant predicts a substitution of cysteine at codon 44 of the RYR1 protein, p.(Arg44Cys). The maximum allele frequency for this variant among the six major gnomAD populations is AMR: 0.000029, a frequency consistent with pathogenicity for MHS. This variant has been reported in two unrelated individuals who have a personal or family history of a malignant hyperthermia reaction and a positive in vitro contracture test (IVCT) or caffeine halothane contracture test (CHCT) result (when the proband was unavailable for testing a positive diagnostic test result in a mutation positive relative was counted), PS4_Moderate (PMID:12709367, PMID:24433488). Functional studies in HEK293 cells show an increased sensitivity to RYR1 agonists, PS3_Moderate (PMID:23459219). This variant resides in a region of RYR1 considered to be a hotspot for pathogenic variants that contribute to MHS, PM1 (PMID: 21118704). A REVEL score > 0.85 supports pathogenicity, PP3_Moderate. For these reasons, this variant has been classified as Likely Pathogenic. Criteria implemented: PS4_Moderate, PS3_Moderate, PM1, PP3_Moderate.

ClinPGx
Classification: drug response for desflurane response - Toxicity. Last evaluated: 2021-03-24. Review status: reviewed by expert panel. Criteria: Pharmacogenomics knowledge for personalized medicine. Collection method: curation. Allele origin: germline. Affected: yes.
Comment: PharmGKB Level of Evidence 1A: Level 1A clinical annotations describe variant-drug combinations that have variant-specific prescribing guidance available in a current clinical guideline annotation or an FDA-approved drug label annotation. Annotations of drug labels or clinical guidelines must give prescribing guidance for specific variants (e.g. CYP2C9*3, HLA-B*57:01) or provide mapping from defined allele functions to diplotypes and phenotypes to be used as supporting evidence for a level 1A clinical annotation. Level 1A clinical annotations must also be supported by at least one publication in addition to a clinical guideline or drug label with variant-specific prescribing guidance.

Drug is not necessarily used to treat response condition

ClinPGx
Classification: drug response for enflurane response - Toxicity. Last evaluated: 2021-03-24. Review status: reviewed by expert panel. Criteria: Pharmacogenomics knowledge for personalized medicine. Collection method: curation. Allele origin: germline. Affected: yes.
Comment: the same text as in the submission from ClinPGx above.

ClinPGx
Classification: drug response for halothane response - Toxicity. Last evaluated: 2021-03-24. Review status: reviewed by expert panel. Criteria: Pharmacogenomics knowledge for personalized medicine. Collection method: curation. Allele origin: germline. Affected: yes.
Comment: the same text as in the submission from ClinPGx above.

ClinPGx
Classification: drug response for isoflurane response - Toxicity. Last evaluated: 2021-03-24. Review status: reviewed by expert panel. Criteria: Pharmacogenomics knowledge for personalized medicine. Collection method: curation. Allele origin: germline. Affected: yes.
Comment: the same text as in the submission from ClinPGx above.

ClinPGx
Classification: drug response for methoxyflurane response - Toxicity. Last evaluated: 2021-03-24. Review status: reviewed by expert panel. Criteria: Pharmacogenomics knowledge for personalized medicine. Collection method: curation. Allele origin: germline. Affected: yes.
Comment: the same text as in the submission from ClinPGx above.

ClinPGx
Classification: drug response for sevoflurane response - Toxicity. Last evaluated: 2021-03-24. Review status: reviewed by expert panel. Criteria: Pharmacogenomics knowledge for personalized medicine. Collection method: curation. Allele origin: germline. Affected: yes.
Comment: the same text as in the submission from ClinPGx above.

ClinPGx
Classification: drug response for succinylcholine response - Toxicity. Last evaluated: 2021-03-24. Review status: reviewed by expert panel. Criteria: Pharmacogenomics knowledge for personalized medicine. Collection method: curation. Allele origin: germline. Affected: yes.
Comment: the same text as in the submission from ClinPGx above.

Labcorp Genetics (formerly Invitae), Labcorp
Classification: Pathogenic for RYR1-related disorder. Last evaluated: 2026-01-31. Review status: criteria provided, single submitter. Criteria: Invitae Variant Classification Sherloc (09022015). Collection method: clinical testing. Allele origin: germline. Not counted in ClinVar's aggregate classification.
Comment: This sequence change replaces arginine, which is basic and polar, with cysteine, which is neutral and slightly polar, at codon 44 of the RYR1 protein (p.Arg44Cys). The frequency data for this variant in the population databases is considered unreliable, as metrics indicate poor data quality at this position in the gnomAD database. This missense change has been observed in individual(s) with clinical features of autosomal dominant RYR1-related conditions (PMID: 12709367, 24433488). It has also been observed to segregate with disease in related individuals. ClinVar contains an entry for this variant (Variation ID: 133045). Invitae Evidence Modeling of protein sequence and biophysical properties (such as structural, functional, and spatial information, amino acid conservation, physicochemical variation, residue mobility, and thermodynamic stability) indicates that this missense variant is expected to disrupt RYR1 protein function with a positive predictive value of 95%. Experimental studies have shown that this missense change affects RYR1 function (PMID: 23459219). This variant disrupts the p.Arg44 amino acid residue in RYR1. Other variant(s) that disrupt this residue have been determined to be pathogenic (PMID: 16835904, 16917943). This suggests that this residue is clinically significant, and that variants that disrupt this residue are likely to be disease-causing. For these reasons, this variant has been classified as Pathogenic.

Fulgent Genetics
Classification: Likely pathogenic for Central core myopathy; Malignant hyperthermia, susceptibility to, 1; Congenital multicore myopathy with external ophthalmoplegia; King Denborough syndrome. Last evaluated: 2024-05-06. Review status: criteria provided, single submitter. Criteria: ACMG Guidelines, 2015. Collection method: clinical testing. Allele origin: germline. Not counted in ClinVar's aggregate classification.

CeGaT Center for Human Genetics Tuebingen
Classification: Pathogenic. Last evaluated: 2024-05-01. Review status: criteria provided, single submitter. Criteria: CeGaT Center For Human Genetics Tuebingen Variant Classification Criteria Version 2. Collection method: clinical testing. Allele origin: germline. Affected: yes. Observed: 2 variant alleles. Not counted in ClinVar's aggregate classification.
Comment: RYR1: PM1, PM2, PM5, PS3:Moderate, PS4:Moderate, PP3

NM_000540.3(RYR1):c.130C>T (p.Arg44Cys)

Gene: RYR1 (ryanodine receptor 1; plus strand). Cytogenetic location: 19q13.2.
Variant type: single nucleotide variant.
Coding change: c.130C>T on transcript NM_000540.3 (MANE Select); coding-DNA position 130, C replaced by T.
Protein change: p.Arg44Cys; replaces arginine 44 with cysteine.
Molecular consequence: missense variant.
Genome position (GRCh38, 1-based): chr19:38,440,829, C>T. VCF-style: chr19-38440829-C-T. GRCh37 (hg19) VCF-style: chr19-38931469-C-T.
Other names: NM_000540.3(RYR1):c.130C>T; c.130C>T, p.Arg44Cys (NM_001042723.2); short protein forms R44C.
Identifiers: ClinVar variation 133045 (VCV000133045.50), dbSNP rs193922748, ClinGen allele CA024034.